The following is an entry in ClinVar:

ClinVar aggregate classification (germline): Conflicting classifications of pathogenicity. Review status: criteria provided, conflicting classifications (1 of 4 stars). 7 submissions from 7 submitters: Uncertain significance (4); Likely benign (3). Last evaluated 2025-02-17.

Conditions:
Hereditary cancer-predisposing syndrome. Also called: Tumor predisposition; Hereditary Cancer Syndrome; Neoplastic Syndromes, Hereditary; Hereditary neoplastic syndrome. Identifiers: Orphanet 140162, MedGen C0027672, MeSH D009386, MONDO:0015356.
Fanconi anemia (FA). Also called: Fanconi's anemia. Identifiers: Orphanet 84, MedGen C0015625, MeSH D005199, MONDO:0019391.
Fanconi anemia complementation group C (FANCC). Also called: FANCONI PANCYTOPENIA, TYPE 3; FACC; Fanconi anemia, group C; FANCC-Related Fanconi Anemia. Identifiers: Orphanet 84, MedGen C3468041, MONDO:0009213, OMIM 227645.

Allele frequency attached by ClinVar (database versions not stated): gnomAD 0.00001 and 0.00004; gnomAD exomes 0.00004 and 0.00006; TOPMed 0.00004; ExAC 0.00007; 1000 Genomes Project 30x 0.00016; 1000 Genomes Project 0.00020.
gnomAD v4.1: 71 of 1,614,076 alleles (0.0044%); highest among the groups gnomAD compares: South Asian, 0.043%; 1 homozygote.

Submissions (7):

Quest Diagnostics Nichols Institute San Juan Capistrano
Classification: Likely benign. Last evaluated: 2025-02-17. Review status: criteria provided, single submitter. Criteria: Quest Diagnostics criteria. Collection method: clinical testing. Allele origin: unknown.

GeneDx
Classification: Uncertain significance. Last evaluated: 2025-02-07. Review status: criteria provided, single submitter. Criteria: GeneDx Variant Classification Process June 2021. Collection method: clinical testing. Allele origin: germline. Affected: yes.
Comment: In silico analysis indicates that this missense variant does not alter protein structure/function; Has not been previously published as pathogenic or benign to our knowledge; This variant is associated with the following publications: (PMID: Gordon2000[Book])

St. Jude Molecular Pathology, St. Jude Children's Research Hospital
Classification: Uncertain significance for Fanconi anemia complementation group C. Last evaluated: 2024-08-07. Review status: criteria provided, single submitter. Criteria: St. Jude Assertion Criteria 2020. Collection method: clinical testing. Allele origin: germline.
Comment: The FANCC c.536G>A (p.Arg179Gln) missense change has a maximum subpopulation frequency of 0.04% including one homozygote in gnomAD v2.1.1. The in silico tool REVEL predicts a benign effect on protein function, but to our knowledge this prediction has not been confirmed by functional studies. To our knowledge, this variant has not been reported in the literature in individuals with Fanconi anemia. In summary, the evidence currently available is insufficient to determine the clinical significance of this variant. It has therefore been classified as of uncertain significance.

Blueprint Genetics
Classification: Likely benign. Last evaluated: 2023-08-11. Review status: criteria provided, single submitter. Criteria: ACMG Guidelines, 2015. Collection method: clinical testing. Allele origin: germline.

Ambry Genetics
Classification: Likely benign for Hereditary cancer-predisposing syndrome. Last evaluated: 2023-07-17. Review status: criteria provided, single submitter. Criteria: Ambry Variant Classification Scheme 2023. Collection method: clinical testing. Allele origin: germline.

Labcorp Genetics (formerly Invitae), Labcorp
Classification: Uncertain significance for Fanconi anemia. Last evaluated: 2022-09-25. Review status: criteria provided, single submitter. Criteria: Invitae Variant Classification Sherloc (09022015). Collection method: clinical testing. Allele origin: germline.
Comment: This sequence change replaces arginine, which is basic and polar, with glutamine, which is neutral and polar, at codon 179 of the FANCC protein (p.Arg179Gln). This variant is present in population databases (rs538875706, gnomAD 0.04%), including at least one homozygous and/or hemizygous individual. This variant has not been reported in the literature in individuals affected with FANCC-related conditions. ClinVar contains an entry for this variant (Variation ID: 485544). Advanced modeling of protein sequence and biophysical properties (such as structural, functional, and spatial information, amino acid conservation, physicochemical variation, residue mobility, and thermodynamic stability) performed at Invitae indicates that this missense variant is not expected to disrupt FANCC protein function. In summary, the available evidence is currently insufficient to determine the role of this variant in disease. Therefore, it has been classified as a Variant of Uncertain Significance.

Fulgent Genetics
Classification: Uncertain significance for Fanconi anemia complementation group C. Last evaluated: 2021-07-06. Review status: criteria provided, single submitter. Criteria: ACMG Guidelines, 2015. Collection method: clinical testing. Allele origin: unknown.

Literature cited by the submitters: PubMed 32546565 (cited by Quest Diagnostics Nichols Institute San Juan Capistrano).

NM_000136.3(FANCC):c.536G>A (p.Arg179Gln)

Genes: AOPEP (aminopeptidase O (putative); plus strand), FANCC (FA complementation group C; minus strand). Cytogenetic location: 9q22.32.
Variant type: single nucleotide variant.
Coding change: c.536G>A on transcript NM_000136.3 (MANE Select); coding-DNA position 536, G replaced by A.
Protein change: p.Arg179Gln; replaces arginine 179 with glutamine.
Molecular consequence: missense variant.
Genome position (GRCh38, 1-based): chr9:95,150,073, C>T on the plus strand (G>A on the coding strand, the complement: FANCC is on the minus strand). VCF-style: chr9-95150073-C-T. GRCh37 (hg19) VCF-style: chr9-97912355-C-T.
Other names: c.536G>A, p.Arg179Gln (NM_001243743.2, NM_001243744.2); short protein forms R179Q.
Identifiers: ClinVar variation 485544 (VCV000485544.17), dbSNP rs538875706, ClinGen allele CA5137696.